The following is an entry in ClinVar:

ClinVar aggregate classification (germline): Pathogenic. Review status: criteria provided, single submitter (1 of 4 stars). 2 submissions from 2 submitters: Pathogenic (1). 1 of the submissions does not count toward it. Last evaluated 2025-08-12.

Conditions:
Hereditary breast ovarian cancer syndrome. Also called: Hereditary breast and ovarian cancer syndrome; Hereditary breast and ovarian cancer syndrome (HBOC); Breast and ovarian cancer; Hereditary breast and/or ovarian cancer syndrome; Hereditary breast and ovarian cancer; BRCA1- and BRCA2-Associated Hereditary Breast and Ovarian Cancer. Identifiers: Orphanet 145, MedGen C0677776, MeSH D061325, MONDO:0003582. Disease mechanism: loss of function.
Breast-ovarian cancer, familial, susceptibility to, 4. Identifiers: Orphanet 145, MedGen C3280345, MONDO:0013669, OMIM 614291.

Submissions (2):

German Consortium for Hereditary Breast and Ovarian Cancer, University Hospital Cologne
Classification: Pathogenic for Hereditary breast ovarian cancer syndrome. Last evaluated: 2025-08-12. Review status: criteria provided, single submitter. Criteria: ACMG Guidelines, 2015. Collection method: curation. Allele origin: germline.
Comment: This classification follows the ACMG SVI adaptation classification scheme; We chose these criteria: PVS1 (strong pathogenic): deletion likely disrupts C-terminus of the ATPase domain (PMID: 14704354, 19327148, 21111057) and RAD51C interaction domain (PMID: 10749867, 14704354, 19327148) , PS4 (strong pathogenic): Öfverholm et al. 2023 (PMID: 37563628), internal data enriched in cases from GC-HBOC, 6x in Mu (2019) Genet Med 21: 1603 (PubMed: 30563988) 761 bp incl. ex. 9-10, Ambry 60,000 clinical samples, PM2 (supporting pathogenic): not in gnomAD CNVs

BRCAlab, Lund University
Classification: Likely pathogenic for Breast-ovarian cancer, familial, susceptibility to, 4. Last evaluated: 2022-08-26. Review status: no assertion criteria provided. Collection method: clinical testing. Allele origin: germline. Affected: yes. Not counted in ClinVar's aggregate classification.

NM_002878.4(RAD51D):c.896_*505del597insT (p.Ser299fs)

Genes: RAD51D (RAD51 paralog D; minus strand), RAD51L3-RFFL (RAD51L3-RFFL readthrough; minus strand). Cytogenetic location: 17q12.
Variant type: Indel.
Coding change: c.896_*505del597insT on transcript NM_002878.4 (MANE Select); coding-DNA position 896 through 505 bases downstream of the stop codon, this stretch deleted.
Protein change: p.Ser299fs; shifts the reading frame from serine 299.
Molecular consequence: frameshift variant, splice acceptor variant, splice donor variant. On other transcripts: non-coding transcript variant (2).
Genome position: GRCh38: chr17:35,100,448-35,101,208. GRCh37 (hg19): chr17:33,427,467-33,428,227.
Other names: c.956_*505del597insT, p.Ser319fs (NM_001142571.2); c.560_*505del597insT, p.Ser187fs (NM_133629.3); short protein forms S187fs, S299fs, S319fs.
Identifiers: ClinVar variation 1713232 (VCV001713232.2), ClinGen allele CA2580093414.